The following is an entry in ClinVar:

NM_015884.4(MBTPS2):c.438+10G>A

Gene: MBTPS2 (membrane bound transcription factor peptidase, site 2; plus strand). Cytogenetic location: Xp22.12.
Variant type: single nucleotide variant.
Coding change: c.438+10G>A on transcript NM_015884.4 (MANE Select); 10 bases into the intron after coding-DNA position 438, G replaced by A.
Molecular consequence: intron variant.
Genome position (GRCh38, 1-based): chrX:21,845,394, G>A. VCF-style: chrX-21845394-G-A. GRCh37 (hg19) VCF-style: chrX-21863512-G-A.
Other names: c.438+10G>A (NM_015884.3).
Identifiers: ClinVar variation 2991442 (VCV002991442.5), dbSNP rs762399077, ClinGen allele CA10367353.

ClinVar aggregate classification (germline): Benign. Review status: criteria provided, single submitter (1 of 4 stars). 2 submissions from 2 submitters: Benign (1). 1 of the submissions does not count toward it. Last evaluated 2024-02-26.

Conditions:
MBTPS2-related disorder. Also called: MBTPS2-related condition.

Allele frequency attached by ClinVar (database versions not stated): gnomAD exomes 0.00003; TOPMed 0.00003; ExAC 0.00005.
gnomAD v4.1: 34 of 1,184,583 alleles (0.0029%); highest among the groups gnomAD compares: African/African-American, 0.0071%; no homozygotes.

Submissions (2):

Labcorp Genetics (formerly Invitae), Labcorp
Classification: Benign. Last evaluated: 2024-02-26. Review status: criteria provided, single submitter. Criteria: Invitae Variant Classification Sherloc (09022015). Collection method: clinical testing. Allele origin: germline.

PreventionGenetics, part of Exact Sciences
Classification: Likely benign for MBTPS2-related condition. Last evaluated: 2019-09-19. Review status: no assertion criteria provided. Collection method: clinical testing. Allele origin: germline. Not counted in ClinVar's aggregate classification.
Comment: This variant is classified as likely benign based on ACMG/AMP sequence variant interpretation guidelines (Richards et al. 2015 PMID: 25741868, with internal and published modifications).